The following is an entry in ClinVar:

NM_020821.3(VPS13C):c.2842A>G (p.Met948Val)

Gene: VPS13C (vacuolar protein sorting 13 homolog C; minus strand). Cytogenetic location: 15q22.2.
Variant type: single nucleotide variant.
Coding change: c.2842A>G on transcript NM_020821.3 (MANE Select); coding-DNA position 2842, A replaced by G.
Protein change: p.Met948Val; replaces methionine 948 with valine.
Molecular consequence: missense variant.
Genome position (GRCh38, 1-based): chr15:61,969,368, T>C on the plus strand (A>G on the coding strand, the complement: VPS13C is on the minus strand). VCF-style: chr15-61969368-T-C. GRCh37 (hg19) VCF-style: chr15-62261567-T-C.
Other names: c.2842A>G, p.Met948Val (NM_001018088.3); c.2713A>G, p.Met905Val (NM_017684.5, NM_018080.4); short protein forms M948V, M905V.
Identifiers: ClinVar variation 4773867 (VCV004773867.1).

ClinVar aggregate classification (germline): Uncertain significance (1 of 4 stars; one submission).

gnomAD v4.1: 5 of 1,603,792 alleles (0.00031%); highest among the groups gnomAD compares: South Asian, 0.0034%; no homozygotes.

Submission:

Labcorp Genetics (formerly Invitae), Labcorp
Classification: Uncertain significance. Last evaluated: 2025-10-26. Review status: criteria provided, single submitter. Criteria: Invitae Variant Classification Sherloc (09022015). Collection method: clinical testing. Allele origin: germline.
Comment: This sequence change replaces methionine, which is neutral and non-polar, with valine, which is neutral and non-polar, at codon 948 of the VPS13C protein (p.Met948Val). This variant is present in population databases (rs757489479, gnomAD 0.002%). This variant has not been reported in the literature in individuals affected with VPS13C-related conditions. Invitae Evidence Modeling of protein sequence and biophysical properties (such as structural, functional, and spatial information, amino acid conservation, physicochemical variation, residue mobility, and thermodynamic stability) indicates that this missense variant is not expected to disrupt VPS13C protein function with a negative predictive value of 80%. In summary, the available evidence is currently insufficient to determine the role of this variant in disease. Therefore, it has been classified as a Variant of Uncertain Significance.